The following is an entry in ClinVar:

ClinVar aggregate classification (germline): Uncertain significance (1 of 4 stars; one submission).

gnomAD v4.1: 1 of 1,614,092 alleles (0.000062%); highest among the groups gnomAD compares: Non-Finnish European, 0.000085%; no homozygotes.

Submission:

GeneDx
Classification: Uncertain significance. Last evaluated: 2024-10-14. Review status: criteria provided, single submitter. Criteria: GeneDx Variant Classification Process June 2021. Collection method: clinical testing. Allele origin: germline. Affected: yes.
Comment: Not observed at significant frequency in large population cohorts (gnomAD); In silico analysis indicates that this missense variant does not alter protein structure/function; Has not been previously published as pathogenic or benign to our knowledge

NM_001845.6(COL4A1):c.4370A>G (p.Asp1457Gly)

Gene: COL4A1 (collagen type IV alpha 1 chain; minus strand). Cytogenetic location: 13q34.
Variant type: single nucleotide variant.
Coding change: c.4370A>G on transcript NM_001845.6 (MANE Select); coding-DNA position 4370, A replaced by G.
Protein change: p.Asp1457Gly; replaces aspartic acid 1457 with glycine.
Molecular consequence: missense variant.
Genome position (GRCh38, 1-based): chr13:110,162,322, T>C on the plus strand (A>G on the coding strand, the complement: COL4A1 is on the minus strand). VCF-style: chr13-110162322-T-C. GRCh37 (hg19) VCF-style: chr13-110814669-T-C.
Other names: short protein forms D1457G.
Identifiers: ClinVar variation 3777291 (VCV003777291.1).